The following is an entry in ClinVar:

ClinVar aggregate classification (germline): Uncertain significance (1 of 4 stars; one submission).

Conditions:
Granulomatous disease, chronic, autosomal recessive, cytochrome b-negative. Also called: CGD DUE TO DEFICIENCY OF THE ALPHA SUBUNIT OF CYTOCHROME b; CGD, AUTOSOMAL RECESSIVE CYTOCHROME b-NEGATIVE; CYBA DEFICIENCY; GRANULOMATOUS DISEASE, CHRONIC, AUTOSOMAL RECESSIVE, 4; Chronic granulomatous disease, autosomal, due to deficiency of CYBA. Identifiers: Orphanet 379, MedGen C1856255, MONDO:0009308, OMIM 233690.

Submission:

Labcorp Genetics (formerly Invitae), Labcorp
Classification: Uncertain significance for Granulomatous disease, chronic, autosomal recessive, cytochrome b-negative. Last evaluated: 2024-10-21. Review status: criteria provided, single submitter. Criteria: Invitae Variant Classification Sherloc (09022015). Collection method: clinical testing. Allele origin: germline.
Comment: This variant, c.386_433dup, results in the insertion of 16 amino acid(s) of the CYBA protein (p.Glu129_Ile144dup), but otherwise preserves the integrity of the reading frame. This variant is not present in population databases (gnomAD no frequency). This variant has not been reported in the literature in individuals affected with CYBA-related conditions. ClinVar contains an entry for this variant (Variation ID: 466303). Experimental studies and prediction algorithms are not available or were not evaluated, and the functional significance of this variant is currently unknown. In summary, the available evidence is currently insufficient to determine the role of this variant in disease. Therefore, it has been classified as a Variant of Uncertain Significance.

NM_000101.4(CYBA):c.386_433dup (p.Glu129_Ile144dup)

Gene: CYBA (cytochrome b-245 alpha chain; minus strand). Cytogenetic location: 16q24.2.
Variant type: Duplication.
Coding change: c.386_433dup on transcript NM_000101.4 (MANE Select); coding-DNA positions 386 to 433, 48 bases duplicated.
Protein change: p.Glu129_Ile144dup.
Molecular consequence: inframe insertion.
Genome position (GRCh38, 1-based): chr16:88,643,508-88,643,555, 48 bases duplicated; duplicating any 48 consecutive bases within chr16:88,643,508-88,643,557 gives the same sequence; the c. name uses the placement nearest the transcript's 3' end. GRCh37 (hg19): chr16:88,709,918-88,709,965.
Identifiers: ClinVar variation 466303 (VCV000466303.9), dbSNP rs1555540977, ClinGen allele CA658658511.